The following is an entry in ClinVar:

ClinVar aggregate classification (germline): Pathogenic. Review status: criteria provided, multiple submitters, no conflicts (2 of 4 stars). 2 submissions from 2 submitters: Pathogenic (2). Last evaluated 2025-08-27.

Conditions:
Congenital glaucoma. Identifiers: MedGen C0020302, MONDO:0020366.

Submissions (2):

GeneDx
Classification: Pathogenic. Last evaluated: 2025-08-27. Review status: criteria provided, single submitter. Criteria: GeneDx Variant Classification Process June 2021. Collection method: clinical testing. Allele origin: germline.
Comment: Identified in a patient with juvenile open-angle glaucoma (PMID: 23922489); In-frame duplication of 9 amino acid(s) in a non-repeat region; This variant is associated with the following publications: (PMID: 27820421, 23922489, 27268095, 29453128, 35085548, Simoes2020[abstract])

Labcorp Genetics (formerly Invitae), Labcorp
Classification: Pathogenic for Congenital glaucoma. Last evaluated: 2024-03-13. Review status: criteria provided, single submitter. Criteria: Invitae Variant Classification Sherloc (09022015). Collection method: clinical testing. Allele origin: germline.
Comment: This variant, c.1403_1429dup, results in the insertion of 9 amino acid(s) of the CYP1B1 protein (p.Arg468_Ser476dup), but otherwise preserves the integrity of the reading frame. This variant is present in population databases (rs755953607, gnomAD 0.01%). This variant has been observed in individual(s) with primary congenital glaucoma (PMID: 23922489, 27820421, 35085548). In at least one individual the data is consistent with being in trans (on the opposite chromosome) from a pathogenic variant. For these reasons, this variant has been classified as Pathogenic.

Literature cited by the submitters: PubMed 23922489 (cited by Labcorp Genetics (formerly Invitae), Labcorp); PubMed 27820421 (cited by Labcorp Genetics (formerly Invitae), Labcorp); PubMed 35085548 (cited by Labcorp Genetics (formerly Invitae), Labcorp).

NM_000104.4(CYP1B1):c.1403_1429dup (p.Arg468_Ser476dup)

Genes: CYP1B1 (cytochrome P450 family 1 subfamily B member 1; minus strand), LOC128772254 (melanoma risk locus-associated MPRA allelic enhancer 2:38298139; plus strand). Cytogenetic location: 2p22.2.
Variant type: Duplication.
Coding change: c.1403_1429dup on transcript NM_000104.4 (MANE Select); coding-DNA positions 1403 to 1429, 27 bases duplicated (GGCGGTGCATTGGCGAAGAACTTTCTA).
Protein change: p.Arg468_Ser476dup.
Molecular consequence: inframe insertion.
Genome position (GRCh38, 1-based): chr2:38,070,925-38,070,951, TAGAAAGTTCTTCGCCAATGCACCGCC duplicated on the plus strand (GGCGGTGCATTGGCGAAGAACTTTCTA on the coding strand, the reverse complement: CYP1B1 is on the minus strand); duplicating any 27 consecutive bases within chr2:38,070,925-38,070,952 gives the same sequence; the c. name uses the placement nearest the transcript's 3' end. VCF-style (leftmost placement, unchanged base first): chr2-38070924-T-TTAGAAAGTTCTTCGCCAATGCACCGCC. GRCh37 (hg19) VCF-style: chr2-38298067-T-TTAGAAAGTTCTTCGCCAATGCACCGCC.
Other names: c.1403_1429dup (NM_000104.3).
Identifiers: ClinVar variation 2864518 (VCV002864518.5), dbSNP rs72549373, ClinGen allele CA1619782.